The following is an entry in ClinVar:

NM_000057.4(BLM):c.2T>C (p.Met1Thr)

Gene: BLM (BLM RecQ like helicase; plus strand). Cytogenetic location: 15q26.1.
Variant type: single nucleotide variant.
Coding change: c.2T>C on transcript NM_000057.4 (MANE Select); coding-DNA position 2, T replaced by C.
Protein change: p.Met1Thr; changes the start codon (methionine 1).
Molecular consequence: missense variant, initiator codon variant. On other transcripts: 5 prime UTR variant (1).
Genome position (GRCh38, 1-based): chr15:90,747,394, T>C. VCF-style: chr15-90747394-T-C. GRCh37 (hg19) VCF-style: chr15-91290624-T-C.
Other names: c.2T>C (LRG_20t1); c.2T>C, p.Met1Thr (NM_001287246.2, NM_001287247.2); c.-1290T>C (NM_001287248.2); short protein forms M1T.
Identifiers: ClinVar variation 370566 (VCV000370566.8), dbSNP rs1057516593, ClinGen allele CA16041764.
Genomic context (GRCh38, chr15:90,747,394, plus strand): 5'-TGTGATTAATGCAAAGTACCTAACTCCACTGATTTCTTTTTCCCTCACTTTTTAGGATTA[T>C]GGCTGCTGTTCCTCAAAATAATCTACAGGAGCAACTAGAACGTCACTCAGCCAGAACACT-3'
Protein context (NP_000048.1, residues 1-11): [Met1Thr]AAVPQNNLQE

ClinVar aggregate classification (germline): Conflicting classifications of pathogenicity. Review status: criteria provided, conflicting classifications (1 of 4 stars). 3 submissions from 3 submitters: Likely pathogenic (1); Uncertain significance (1). 1 of the submissions does not count toward it. Last evaluated 2025-07-13.

Conditions:
Hereditary cancer-predisposing syndrome. Also called: Tumor predisposition; Hereditary neoplastic syndrome; Neoplastic Syndromes, Hereditary; Hereditary Cancer Syndrome. Identifiers: Orphanet 140162, MedGen C0027672, MeSH D009386, MONDO:0015356.
Bloom syndrome (BLM). Also called: Bloom-Torre-Machacek syndrome. Identifiers: Orphanet 125, MedGen C0005859, MONDO:0008876, OMIM 210900.

Allele frequency attached by ClinVar (database versions not stated): gnomAD exomes below 0.00001.

Submissions (3):

Labcorp Genetics (formerly Invitae), Labcorp
Classification: Uncertain significance for Bloom syndrome. Last evaluated: 2025-07-13. Review status: criteria provided, single submitter. Criteria: Invitae Variant Classification Sherloc (09022015). Collection method: clinical testing. Allele origin: germline.
Comment: This sequence change affects the initiator codon of the BLM mRNA. This change may impact translation initiation or efficiency. The next in-frame methionine is located at codon 157. This variant is not present in population databases (gnomAD no frequency). This variant has not been reported in the literature in individuals affected with BLM-related conditions. ClinVar contains an entry for this variant (Variation ID: 370566). Experimental studies and prediction algorithms are not available or were not evaluated, and the functional significance of this variant is currently unknown. In summary, the available evidence is currently insufficient to determine the role of this variant in disease. Therefore, it has been classified as a Variant of Uncertain Significance.

Ambry Genetics
Classification: Likely pathogenic for Hereditary cancer-predisposing syndrome. Last evaluated: 2023-01-12. Review status: criteria provided, single submitter. Criteria: Ambry Variant Classification Scheme 2023. Collection method: clinical testing. Allele origin: germline.
Comment: The p.M1? variant (also known as c.2T>C) is located in coding exon 1 of the BLM gene and results from a T to C substitution at nucleotide position 2. This alters the methionine residue at the initiation codon (ATG). This variant is considered to be rare based on population cohorts in the Genome Aggregation Database (gnomAD). This amino acid position is highly conserved in available vertebrate species. Sequence variations that modify the initiation codon are expected to result in either loss of translation initiation, N-terminal truncation, or cause a shift in the mRNA reading frame. Based on the majority of available evidence to date, this variant is likely to be pathogenic.

Counsyl
Classification: Likely pathogenic for Bloom syndrome. Last evaluated: 2016-03-02. Review status: no assertion criteria provided. Collection method: clinical testing. Allele origin: unknown. Not counted in ClinVar's aggregate classification.